The following is an entry in ClinVar:

NM_198291.3(SRC):c.1117-9C>T

Gene: SRC (SRC proto-oncogene, non-receptor tyrosine kinase; plus strand). Cytogenetic location: 20q11.23.
Variant type: single nucleotide variant.
Coding change: c.1117-9C>T on transcript NM_198291.3 (MANE Select); 9 bases into the intron before coding-DNA position 1117, C replaced by T.
Molecular consequence: intron variant.
Genome position (GRCh38, 1-based): chr20:37,402,426, C>T. VCF-style: chr20-37402426-C-T. GRCh37 (hg19) VCF-style: chr20-36030829-C-T.
Other names: p.?; c.1117-9C>T (NM_005417.5).
Identifiers: ClinVar variation 725075 (VCV000725075.6), dbSNP rs199909071, ClinGen allele CA9847980.

ClinVar aggregate classification (germline): Likely benign. Review status: criteria provided, multiple submitters, no conflicts (2 of 4 stars). 4 submissions from 4 submitters: Likely benign (4). Last evaluated 2026-03-11.

Conditions:
SRC-related disorder. Also called: SRC-related condition.

Allele frequency attached by ClinVar (database versions not stated): gnomAD exomes 0.00012 and 0.00025; ESP Exome Variant Server 0.00015; ExAC 0.00023; gnomAD 0.00024; TOPMed 0.00037; 1000 Genomes Project 30x 0.00047; 1000 Genomes Project 0.00060.
gnomAD v4.1: 221 of 1,610,588 alleles (0.014%); highest among the groups gnomAD compares: Admixed American, 0.06%; no homozygotes.

Submissions (4):

PreventionGenetics, part of Exact Sciences
Classification: Likely benign for SRC-related condition. Last evaluated: 2026-03-11. Review status: criteria provided, single submitter. Criteria: ACMG Guidelines, 2015. Collection method: clinical testing. Allele origin: germline.
Comment: This variant is classified as likely benign based on ACMG/AMP sequence variant interpretation guidelines (Richards et al. 2015 PMID: 25741868, with internal and published modifications).

Mayo Clinic Laboratories, Mayo Clinic
Classification: Likely benign. Last evaluated: 2025-01-10. Review status: criteria provided, single submitter. Criteria: ACMG Guidelines, 2015. Collection method: clinical testing. Allele origin: germline. Observed: 1 variant allele.
Comment: BS1_supporting, BP4, BP7

Blueprint Genetics
Classification: Likely benign. Last evaluated: 2024-10-14. Review status: criteria provided, single submitter. Criteria: ACMG Guidelines, 2015. Collection method: clinical testing. Allele origin: germline.

Labcorp Genetics (formerly Invitae), Labcorp
Classification: Likely benign. Last evaluated: 2018-12-13. Review status: criteria provided, single submitter. Criteria: Invitae Variant Classification Sherloc (09022015). Collection method: clinical testing. Allele origin: germline.